The following is an entry in ClinVar:

ClinVar aggregate classification (germline): Uncertain significance (1 of 4 stars; one submission).

Conditions:
Hypertrophic cardiomyopathy. Also called: HYPERTROPHIC MYOCARDIOPATHY. Identifiers: Orphanet 217569, MedGen C0007194, MeSH D002312, MONDO:0005045, HP:0001639.

gnomAD v4.1: 2 of 1,612,524 alleles (0.00012%); highest among the groups gnomAD compares: African/African-American, 0.0013%; no homozygotes.

Submission:

Labcorp Genetics (formerly Invitae), Labcorp
Classification: Uncertain significance for Hypertrophic cardiomyopathy. Last evaluated: 2024-09-12. Review status: criteria provided, single submitter. Criteria: Invitae Variant Classification Sherloc (09022015). Collection method: clinical testing. Allele origin: germline.
Comment: This sequence change replaces glutamic acid, which is acidic and polar, with glycine, which is neutral and non-polar, at codon 944 of the MYOM1 protein (p.Glu944Gly). This variant is present in population databases (no rsID available, gnomAD 0.01%). This variant has not been reported in the literature in individuals affected with MYOM1-related conditions. Invitae Evidence Modeling of protein sequence and biophysical properties (such as structural, functional, and spatial information, amino acid conservation, physicochemical variation, residue mobility, and thermodynamic stability) has been performed for this missense variant. However, the output from this modeling did not meet the statistical confidence thresholds required to predict the impact of this variant on MYOM1 protein function. In summary, the available evidence is currently insufficient to determine the role of this variant in disease. Therefore, it has been classified as a Variant of Uncertain Significance.

NM_003803.4(MYOM1):c.2831A>G (p.Glu944Gly)

Gene: MYOM1 (myomesin 1; minus strand). Cytogenetic location: 18p11.31.
Variant type: single nucleotide variant.
Coding change: c.2831A>G on transcript NM_003803.4 (MANE Select); coding-DNA position 2831, A replaced by G.
Protein change: p.Glu944Gly; replaces glutamic acid 944 with glycine.
Molecular consequence: missense variant.
Genome position (GRCh38, 1-based): chr18:3,126,861, T>C on the plus strand (A>G on the coding strand, the complement: MYOM1 is on the minus strand). VCF-style: chr18-3126861-T-C. GRCh37 (hg19) VCF-style: chr18-3126859-T-C.
Other names: c.2543A>G, p.Glu848Gly (NM_019856.2); short protein forms E848G, E944G.
Identifiers: ClinVar variation 3604902 (VCV003604902.2).
Genomic context (GRCh38, chr18:3,126,861, plus strand): 5'-TCTGCCCCTCCAATCTTATCTGGTTGCTTCCATCCAAGAACCATTGAGTCACGAAAACTT[T>C]CAAGACAGGTGATATCACAGGGTGGAGATGGTGGTGCTGTAGCAATATGAATAGCTTGTG-3'
Protein context (NP_003794.3, residues 934-954): PSPPCDITCL[Glu944Gly]SFRDSMVLGW